The following is an entry in ClinVar:

ClinVar aggregate classification (germline): Pathogenic. Review status: criteria provided, multiple submitters, no conflicts (2 of 4 stars). 5 submissions from 5 submitters: Pathogenic (5). Last evaluated 2025-07-08.

Conditions:
Hereditary cancer-predisposing syndrome. Also called: Neoplastic Syndromes, Hereditary; Hereditary neoplastic syndrome; Hereditary Cancer Syndrome; Tumor predisposition. Identifiers: Orphanet 140162, MedGen C0027672, MeSH D009386, MONDO:0015356.
Cardiovascular phenotype. Identifiers: MedGen CN230736.
Neurofibromatosis, type 1 (NF1). Also called: Neurofibromatosis, type I; VON RECKLINGHAUSEN DISEASE; NEUROFIBROMATOSIS, TYPE I, SOMATIC; Peripheral type neurofibromatosis. Identifiers: Orphanet 636, MedGen C0027831, MONDO:0018975, OMIM 162200. Disease mechanism: loss of function.

Submissions (5):

Labcorp Genetics (formerly Invitae), Labcorp
Classification: Pathogenic for Neurofibromatosis, type 1. Last evaluated: 2025-07-08. Review status: criteria provided, single submitter. Criteria: Invitae Variant Classification Sherloc (09022015). Collection method: clinical testing. Allele origin: germline.
Comment: This sequence change creates a premature translational stop signal (p.Gln1188*) in the NF1 gene. It is expected to result in an absent or disrupted protein product. Loss-of-function variants in NF1 are known to be pathogenic (PMID: 10712197, 23913538). This variant is not present in population databases (gnomAD no frequency). This premature translational stop signal has been observed in individual(s) with clinical features of neurofibromatosis type 1 (PMID: 26056819). Invitae Evidence Modeling of clinical and family history, age, sex, and reported ancestry of multiple individuals with this NF1 variant has been performed. This variant is expected to be pathogenic with a positive predictive value of at least 99%. This is a validated machine learning model that incorporates the clinical features of 1,785,918 individuals referred to our laboratory for NF1 testing. ClinVar contains an entry for this variant (Variation ID: 996506). Algorithms developed to predict the effect of sequence changes on RNA splicing suggest that this variant may disrupt the consensus splice site. For these reasons, this variant has been classified as Pathogenic.

Ambry Genetics
Classification: Pathogenic for Cardiovascular phenotype; Hereditary cancer-predisposing syndrome. Last evaluated: 2025-05-16. Review status: criteria provided, single submitter. Criteria: Ambry Variant Classification Scheme 2023. Collection method: clinical testing. Allele origin: germline.
Comment: The p.Q1188* pathogenic mutation (also known as c.3562C>T), located in coding exon 27 of the NF1 gene, results from a C to T substitution at nucleotide position 3562. This changes the amino acid from a glutamine to a stop codon within coding exon 27. This variant was reported in individual(s) with features consistent with neurofibromatosis type 1 (Zhang J et al. Sci Rep. 2015 Jun;5:11291). This variant is considered to be rare based on population cohorts in the Genome Aggregation Database (gnomAD). This alteration is expected to result in loss of function by premature protein truncation or nonsense-mediated mRNA decay. As such, this alteration is interpreted as a disease-causing mutation.

Women's Health and Genetics/Laboratory Corporation of America, LabCorp
Classification: Pathogenic for Neurofibromatosis, type 1. Last evaluated: 2024-09-30. Review status: criteria provided, single submitter. Criteria: LabCorp Variant Classification Summary - May 2015. Collection method: clinical testing. Allele origin: germline.
Comment: Variant summary: NF1 c.3562C>T (p.Gln1188X) results in a premature termination codon, predicted to cause a truncation of the encoded protein or absence of the protein due to nonsense mediated decay, which are commonly known mechanisms for disease. The variant was absent in 251354 control chromosomes. c.3562C>T has been reported in the literature in at least one individual affected with Neurofibromatosis Type 1 (e.g. Bildirici_2023). The following publication has been ascertained in the context of this evaluation (PMID: 37806041). ClinVar contains an entry for this variant (Variation ID: 996506). Based on the evidence outlined above, the variant was classified as pathogenic.

Genome-Nilou Lab
Classification: Pathogenic for Neurofibromatosis, type 1. Last evaluated: 2022-03-15. Review status: criteria provided, single submitter. Criteria: ACMG Guidelines, 2015. Collection method: clinical testing. Allele origin: germline. Affected: no.

Genome Diagnostics Laboratory, The Hospital for Sick Children
Classification: Pathogenic for Neurofibromatosis, type 1. Last evaluated: 2020-10-26. Review status: criteria provided, single submitter. Criteria: ACMG Guidelines, 2015. Collection method: clinical testing. Allele origin: germline. Affected: yes.

Literature cited by the submitters: PubMed 10712197 (cited by Labcorp Genetics (formerly Invitae), Labcorp); PubMed 23913538 (cited by Labcorp Genetics (formerly Invitae), Labcorp); PubMed 26056819 (cited by Labcorp Genetics (formerly Invitae), Labcorp and Ambry Genetics); PubMed 37806041 (cited by Women's Health and Genetics/Laboratory Corporation of America, LabCorp).

NM_001042492.3(NF1):c.3562C>T (p.Gln1188Ter)

Gene: NF1 (neurofibromin 1; plus strand). Cytogenetic location: 17q11.2.
Variant type: single nucleotide variant.
Coding change: c.3562C>T on transcript NM_001042492.3 (MANE Select); coding-DNA position 3562, C replaced by T.
Protein change: p.Gln1188Ter; replaces glutamine 1188 with a stop codon.
Molecular consequence: nonsense.
Genome position (GRCh38, 1-based): chr17:31,233,067, C>T. VCF-style: chr17-31233067-C-T. GRCh37 (hg19) VCF-style: chr17-29560085-C-T.
Other names: c.3562C>T, p.Gln1188Ter (NM_000267.4); short protein forms Q1188*.
Identifiers: ClinVar variation 996506 (VCV000996506.12), dbSNP rs2067142295, ClinGen allele CA398990052.
Genomic context (GRCh38, chr17:31,233,067, plus strand): 5'-GGTTACCACAAGGATCTCCAGACAAGAGCTACATTTATGGAAGTTCTGACAAAAATCCTT[C>T]AACAAGGCACAGAATTTGACACACTTGCAGAAACAGTATTGGCTGATCGGTTTGAGAGAT-3'